The following is an entry in ClinVar:

NM_000122.2(ERCC3):c.1934G>A (p.Arg645Gln)

Gene: ERCC3 (ERCC excision repair 3, TFIIH core complex helicase subunit; minus strand). Cytogenetic location: 2q14.3.
Variant type: single nucleotide variant.
Coding change: c.1934G>A on transcript NM_000122.2 (MANE Select); coding-DNA position 1934, G replaced by A.
Protein change: p.Arg645Gln; replaces arginine 645 with glutamine.
Molecular consequence: missense variant.
Genome position (GRCh38, 1-based): chr2:127,271,347, C>T on the plus strand (G>A on the coding strand, the complement: ERCC3 is on the minus strand). VCF-style: chr2-127271347-C-T. GRCh37 (hg19) VCF-style: chr2-128028923-C-T.
Other names: c.1742G>A, p.Arg581Gln (NM_001303416.2, NM_001303418.2); short protein forms R581Q, R645Q.
Identifiers: ClinVar variation 3250466 (VCV003250466.1), dbSNP rs1366074068.

ClinVar aggregate classification (germline): Uncertain significance (1 of 4 stars; one submission).

Conditions:
Xeroderma pigmentosum group B. Also called: XERODERMA PIGMENTOSUM B/COCKAYNE SYNDROME; ERCC3-Related Xeroderma Pigmentosum; XP, GROUP B; XPB/CS. Identifiers: MedGen C0268136, MONDO:0012531, OMIM 610651.

gnomAD v4.1: 5 of 1,612,986 alleles (0.00031%); highest among the groups gnomAD compares: Non-Finnish European, 0.00042%; no homozygotes.

Submission:

Neuberg Centre For Genomic Medicine, NCGM
Classification: Uncertain significance for Xeroderma pigmentosum group B. Review status: criteria provided, single submitter. Criteria: ACMG Guidelines, 2015. Collection method: clinical testing. Allele origin: germline. Inheritance: Autosomal recessive inheritance. Affected: yes.
Comment: The observed missense variant c.1934G>A (p.Arg645Gln) in ERCC3 gene has not been reported previously as a pathogenic variant nor as a benign variant, to our knowledge. The p.Arg645Gln variant has allele frequency 0.0004% in gnomAD Exomes. This variant has not been submitted to the ClinVar database. The amino acid change p.Arg645Gln in ERCC3 is predicted as conserved by GERP++ and PhyloP across 100 vertebrates. The amino acid Arg at position 645 is changed to a Gln changing protein sequence and it might alter its composition and physico-chemical properties. For these reasons, this variant has been classified as Variant of Uncertain Significance (VUS).